The following is an entry in ClinVar:

ClinVar aggregate classification (germline): Benign/Likely benign. Review status: criteria provided, multiple submitters, no conflicts (2 of 4 stars). 3 submissions from 3 submitters: Benign (2); Likely benign (1). Last evaluated 2026-01-23.

Conditions:
BMP1-related disorder. Also called: BMP1-related condition.

Allele frequency attached by ClinVar (database versions not stated): ESP Exome Variant Server 0.00069; gnomAD exomes 0.00005 and 0.00013; ExAC 0.00014; 1000 Genomes Project 30x 0.00031; gnomAD 0.00039 and 0.00043; 1000 Genomes Project 0.00040; TOPMed 0.00043.
gnomAD v4.1: 144 of 1,613,762 alleles (0.0089%); highest among the groups gnomAD compares: African/African-American, 0.17%; 1 homozygote.

Submissions (3):

Labcorp Genetics (formerly Invitae), Labcorp
Classification: Benign. Last evaluated: 2026-01-23. Review status: criteria provided, single submitter. Criteria: Invitae Variant Classification Sherloc (09022015). Collection method: clinical testing. Allele origin: germline.

PreventionGenetics, part of Exact Sciences
Classification: Likely benign for BMP1-related condition. Last evaluated: 2025-12-19. Review status: criteria provided, single submitter. Criteria: ACMG Guidelines, 2015. Collection method: clinical testing. Allele origin: germline.
Comment: This variant is classified as likely benign based on ACMG/AMP sequence variant interpretation guidelines (Richards et al. 2015 PMID: 25741868, with internal and published modifications).

Breakthrough Genomics
Classification: Benign. Review status: criteria provided, single submitter. Criteria: ACMG Guidelines, 2015. Collection method: not provided. Allele origin: germline. Inheritance: Autosomal recessive inheritance. Affected: yes.

NM_006129.5(BMP1):c.211G>T (p.Ala71Ser)

Gene: BMP1 (bone morphogenetic protein 1; plus strand). Cytogenetic location: 8p21.3.
Variant type: single nucleotide variant.
Coding change: c.211G>T on transcript NM_006129.5 (MANE Select); coding-DNA position 211, G replaced by T.
Protein change: p.Ala71Ser; replaces alanine 71 with serine.
Molecular consequence: missense variant. On other transcripts: non-coding transcript variant (2).
Genome position (GRCh38, 1-based): chr8:22,173,664, G>T. VCF-style: chr8-22173664-G-T. GRCh37 (hg19) VCF-style: chr8-22031177-G-T.
Other names: c.211G>T, p.Ala71Ser (NM_001199.4); c.211G>T (NM_006129.4); short protein forms A71S.
Identifiers: ClinVar variation 1547791 (VCV001547791.10), dbSNP rs140513402, ClinGen allele CA4664192.